The following is an entry in ClinVar:

ClinVar aggregate classification (germline): Uncertain significance (1 of 4 stars; one submission).

Submission:

Labcorp Genetics (formerly Invitae), Labcorp
Classification: Uncertain significance. Last evaluated: 2023-08-30. Review status: criteria provided, single submitter. Criteria: Invitae Variant Classification Sherloc (09022015). Collection method: clinical testing. Allele origin: germline.
Comment: In summary, the available evidence is currently insufficient to determine the role of this variant in disease. Therefore, it has been classified as a Variant of Uncertain Significance. Experimental studies and prediction algorithms are not available or were not evaluated, and the functional significance of this variant is currently unknown. This variant, c.678_680del, results in the deletion of 1 amino acid(s) of the ERCC3 protein (p.Ser227del), but otherwise preserves the integrity of the reading frame. This variant is not present in population databases (gnomAD no frequency). This variant has not been reported in the literature in individuals affected with ERCC3-related conditions. ClinVar contains an entry for this variant (Variation ID: 1513350).

NM_000122.2(ERCC3):c.678_680del (p.Ser227del)

Gene: ERCC3 (ERCC excision repair 3, TFIIH core complex helicase subunit; minus strand). Cytogenetic location: 2q14.3.
Variant type: Deletion.
Coding change: c.678_680del on transcript NM_000122.2 (MANE Select); coding-DNA positions 678 to 680, 3 bases deleted (CAG; older notation c.678_680delCAG).
Protein change: p.Ser227del; deletes serine 227.
Molecular consequence: inframe deletion.
Genome position (GRCh38, 1-based): chr2:127,289,479-127,289,481, CTG deleted on the plus strand (CAG on the coding strand, the reverse complement: ERCC3 is on the minus strand); deleting any 3 consecutive bases within chr2:127,289,479-127,289,483 gives the same sequence; the c. name uses the placement nearest the transcript's 3' end. VCF-style (leftmost placement, unchanged base first): chr2-127289478-ACTG-A. GRCh37 (hg19) VCF-style: chr2-128047054-ACTG-A.
Other names: c.486_488del, p.Ser163del (NM_001303416.2, NM_001303418.2); short protein forms S163del, S227del.
Identifiers: ClinVar variation 1513350 (VCV001513350.8), dbSNP rs1188708904, ClinGen allele CA756622119.